The following is an entry in ClinVar:

ClinVar aggregate classification (germline): Likely benign. Review status: criteria provided, multiple submitters, no conflicts (2 of 4 stars). 2 submissions from 2 submitters: Likely benign (2). Last evaluated 2026-07-07.

Conditions:
Rhabdoid tumor predisposition syndrome 2 (RTPS2). Identifiers: Orphanet 231108, Orphanet 69077, MedGen C2750074, MONDO:0013224, OMIM 613325.

Submissions (2):

Myriad Genetics, Inc.
Classification: Likely benign for Rhabdoid tumor predisposition syndrome 2. Last evaluated: 2026-07-07. Review status: criteria provided, single submitter. Criteria: Myriad Autosomal Dominant, Autosomal Recessive and X-Linked Classification Criteria (2023). Collection method: clinical testing. Allele origin: unknown.
Comment: This variant is considered likely benign. This variant is intronic and is not expected to impact mRNA splicing.

Labcorp Genetics (formerly Invitae), Labcorp
Classification: Likely benign for Rhabdoid tumor predisposition syndrome 2. Last evaluated: 2024-07-31. Review status: criteria provided, single submitter. Criteria: Invitae Variant Classification Sherloc (09022015). Collection method: clinical testing. Allele origin: germline.

NM_003072.5(SMARCA4):c.1812+9G>A

Gene: SMARCA4 (SWI/SNF related BAF chromatin remodeling complex subunit ATPase 4; plus strand). Cytogenetic location: 19p13.2.
Variant type: single nucleotide variant.
Coding change: c.1812+9G>A on transcript NM_003072.5 (MANE Select); 9 bases into the intron after coding-DNA position 1812, G replaced by A.
Molecular consequence: intron variant.
Genome position (GRCh38, 1-based): chr19:10,996,553, G>A. VCF-style: chr19-10996553-G-A. GRCh37 (hg19) VCF-style: chr19-11107229-G-A.
Other names: c.1812+9G>A (NM_001128844.3, NM_001128849.3, NM_001128847.4 and 5 more transcripts).
Identifiers: ClinVar variation 1959827 (VCV001959827.6), dbSNP rs1600085326, ClinGen allele CA2580096271.